The following is an entry in ClinVar:

ClinVar aggregate classification (germline): Uncertain significance (1 of 4 stars; one submission).

Conditions:
Progressive microcephaly-seizures-cortical blindness-developmental delay syndrome. Also called: Seizures, cortical blindness, and microcephaly syndrome. Identifiers: Orphanet 477814, MedGen C5567650, MONDO:0014714, OMIM 616632.
Autosomal dominant nonsyndromic hearing loss 1. Also called: DEAFNESS, AUTOSOMAL DOMINANT 1, WITH OR WITHOUT THROMBOCYTOPENIA; KONIGSMARK SYNDROME. Identifiers: Orphanet 90635, MedGen C1852282, MONDO:0007424, OMIM 124900.

gnomAD v4.1: 4 of 1,614,198 alleles (0.00025%); highest among the groups gnomAD compares: South Asian, 0.0044%; no homozygotes.

Submission:

Labcorp Genetics (formerly Invitae), Labcorp
Classification: Uncertain significance for Progressive microcephaly-seizures-cortical blindness-developmental delay syndrome; Autosomal dominant nonsyndromic hearing loss 1. Last evaluated: 2024-07-11. Review status: criteria provided, single submitter. Criteria: Invitae Variant Classification Sherloc (09022015). Collection method: clinical testing. Allele origin: germline.
Comment: This sequence change replaces aspartic acid, which is acidic and polar, with histidine, which is basic and polar, at codon 1014 of the DIAPH1 protein (p.Asp1014His). This variant is not present in population databases (gnomAD no frequency). This variant has not been reported in the literature in individuals affected with DIAPH1-related conditions. An algorithm developed to predict the effect of missense changes on protein structure and function (PolyPhen-2) suggests that this variant is likely to be disruptive. In summary, the available evidence is currently insufficient to determine the role of this variant in disease. Therefore, it has been classified as a Variant of Uncertain Significance.

NM_005219.5(DIAPH1):c.3040G>C (p.Asp1014His)

Gene: DIAPH1 (diaphanous related formin 1; minus strand). Cytogenetic location: 5q31.3.
Variant type: single nucleotide variant.
Coding change: c.3040G>C on transcript NM_005219.5 (MANE Select); coding-DNA position 3040, G replaced by C.
Protein change: p.Asp1014His; replaces aspartic acid 1014 with histidine.
Molecular consequence: missense variant.
Genome position (GRCh38, 1-based): chr5:141,528,561, C>G on the plus strand (G>C on the coding strand, the complement: DIAPH1 is on the minus strand). VCF-style: chr5-141528561-C-G. GRCh37 (hg19) VCF-style: chr5-140908128-C-G.
Other names: c.3013G>C, p.Asp1005His (NM_001079812.3); c.3040G>C, p.Asp1014His (NM_001314007.2); short protein forms D1005H, D1014H.
Identifiers: ClinVar variation 3760610 (VCV003760610.2).
Genomic context (GRCh38, chr5:141,528,561, plus strand): 5'-CATCGGGATAGTCATTCTCACACAACTCAGCCAAGAAGTGTAACAACGTCATCTTCTGAT[C>G]TGTGGACTTGGTGTCTCGAAGCTTAGAGAAAGAGGAGAAACTGTTAAATCCTGACATGTC-3'
Protein context (NP_005210.3, residues 1004-1024): LCKLRDTKST[Asp1014His]QKMTLLHFLA